The following is an entry in ClinVar:

NM_001377299.1(NDUFS2):c.394-299T>C

Gene: NDUFS2 (NADH:ubiquinone oxidoreductase core subunit S2; plus strand). Cytogenetic location: 1q23.3.
Variant type: single nucleotide variant.
Coding change: c.394-299T>C on transcript NM_001377299.1 (MANE Select); 299 bases into the intron before coding-DNA position 394, T replaced by C.
Molecular consequence: intron variant.
Genome position (GRCh38, 1-based): chr1:161,208,894, T>C. VCF-style: chr1-161208894-T-C. GRCh37 (hg19) VCF-style: chr1-161178684-T-C.
Other names: c.394-299T>C (NM_001377300.1, NM_001377298.1, NM_001377301.1 and 3 more transcripts).
Identifiers: ClinVar variation 671138 (VCV000671138.1), dbSNP rs3924264, ClinGen allele CA15109835.

ClinVar aggregate classification (germline): Benign (1 of 4 stars; one submission).

Allele frequency attached by ClinVar (database versions not stated): gnomAD 0.38271 and 0.38702; TOPMed 0.39289; 1000 Genomes Project 30x 0.43988; 1000 Genomes Project 0.44050.
gnomAD v4.1: 58,832 of 152,094 alleles (39%); highest among the groups gnomAD compares: East Asian, 49%; 11,561 homozygotes.

Submission:

GeneDx
Classification: Benign. Last evaluated: 2018-06-14. Review status: criteria provided, single submitter. Criteria: GeneDx Variant Classification (06012015). Collection method: clinical testing. Allele origin: germline. Affected: yes.
Comment: This variant is considered likely benign or benign based on one or more of the following criteria: it is a conservative change, it occurs at a poorly conserved position in the protein, it is predicted to be benign by multiple in silico algorithms, and/or has population frequency not consistent with disease.